The following is an entry in ClinVar:

ClinVar aggregate classification (germline): Uncertain significance (1 of 4 stars; one submission).

Conditions:
Dyskeratosis congenita. Identifiers: Orphanet 1775, MedGen C0265965, MONDO:0015780.

Allele frequency attached by ClinVar (database versions not stated): gnomAD 0.00001; gnomAD exomes 0.00003.

Submission:

Labcorp Genetics (formerly Invitae), Labcorp
Classification: Uncertain significance for Dyskeratosis congenita. Last evaluated: 2024-04-15. Review status: criteria provided, single submitter. Criteria: Invitae Variant Classification Sherloc (09022015). Collection method: clinical testing. Allele origin: germline.
Comment: This sequence change replaces aspartic acid, which is acidic and polar, with glycine, which is neutral and non-polar, at codon 893 of the CTC1 protein (p.Asp893Gly). This variant is present in population databases (no rsID available, gnomAD 0.01%). This variant has not been reported in the literature in individuals affected with CTC1-related conditions. Advanced modeling of protein sequence and biophysical properties (such as structural, functional, and spatial information, amino acid conservation, physicochemical variation, residue mobility, and thermodynamic stability) performed at Invitae indicates that this missense variant is not expected to disrupt CTC1 protein function with a negative predictive value of 80%. In summary, the available evidence is currently insufficient to determine the role of this variant in disease. Therefore, it has been classified as a Variant of Uncertain Significance.

NM_025099.6(CTC1):c.2678A>G (p.Asp893Gly)

Gene: CTC1 (CST telomere replication complex component 1; minus strand). Cytogenetic location: 17p13.1.
Variant type: single nucleotide variant.
Coding change: c.2678A>G on transcript NM_025099.6 (MANE Select); coding-DNA position 2678, A replaced by G.
Protein change: p.Asp893Gly; replaces aspartic acid 893 with glycine.
Molecular consequence: missense variant. On other transcripts: non-coding transcript variant (1).
Genome position (GRCh38, 1-based): chr17:8,230,643, T>C on the plus strand (A>G on the coding strand, the complement: CTC1 is on the minus strand). VCF-style: chr17-8230643-T-C. GRCh37 (hg19) VCF-style: chr17-8133961-T-C.
Other names: c.2678A>G, p.Asp893Gly (NM_001411067.1); short protein forms D893G.
Identifiers: ClinVar variation 2765781 (VCV002765781.3), dbSNP rs945859906, ClinGen allele CA287531502.